The following is an entry in ClinVar:

NM_203447.4(DOCK8):c.2310G>A (p.Glu770=)

Gene: DOCK8 (dedicator of cytokinesis 8; plus strand). Cytogenetic location: 9p24.3.
Variant type: single nucleotide variant.
Coding change: c.2310G>A on transcript NM_203447.4 (MANE Select); coding-DNA position 2310, G replaced by A.
Protein change: p.Glu770=; no amino-acid change (glutamic acid 770 retained).
Molecular consequence: synonymous variant.
Genome position (GRCh38, 1-based): chr9:377,081, G>A. VCF-style: chr9-377081-G-A. GRCh37 (hg19) VCF-style: chr9-377081-G-A.
Other names: p.Glu770=; c.2106G>A, p.Glu702= (NM_001190458.2, NM_001193536.2).
Identifiers: ClinVar variation 468736 (VCV000468736.38), dbSNP rs116175117, ClinGen allele CA4958162.

ClinVar aggregate classification (germline): Benign/Likely benign. Review status: criteria provided, multiple submitters, no conflicts (2 of 4 stars). 6 submissions from 6 submitters: Benign (2); Likely benign (3). 1 of the submissions does not count toward it. Last evaluated 2026-01-26.

Conditions:
Combined immunodeficiency due to DOCK8 deficiency (HIES2). Also called: DOCK8 Deficiency; HIES autosomal recessive; Hyper-IgE recurrent infection syndrome, autosomal recessive; HYPER-IgE RECURRENT INFECTION SYNDROME 2, AUTOSOMAL RECESSIVE; HYPER-IgE SYNDROME 2, AUTOSOMAL RECESSIVE, WITH RECURRENT INFECTIONS. Identifiers: Orphanet 217390, MedGen C4722305, MONDO:0009478, OMIM 243700.

Allele frequency attached by ClinVar (database versions not stated): ExAC 0.00094; TOPMed 0.00244; 1000 Genomes Project 30x 0.00312; ESP Exome Variant Server 0.00323; 1000 Genomes Project 0.00339; gnomAD 0.00205 and 0.00217.
gnomAD v4.1: 614 of 1,612,966 alleles (0.038%); highest among the groups gnomAD compares: African/African-American, 0.7%; 1 homozygote.

Submissions (6):

Labcorp Genetics (formerly Invitae), Labcorp
Classification: Benign for Combined immunodeficiency due to DOCK8 deficiency. Last evaluated: 2026-01-26. Review status: criteria provided, single submitter. Criteria: Invitae Variant Classification Sherloc (09022015). Collection method: clinical testing. Allele origin: germline.

Mayo Clinic Laboratories, Mayo Clinic
Classification: Likely benign. Last evaluated: 2025-04-25. Review status: criteria provided, single submitter. Criteria: ACMG Guidelines, 2015. Collection method: clinical testing. Allele origin: germline. Observed: 1 variant allele.
Comment: BS1, BP4, BP7

Blueprint Genetics
Classification: Likely benign. Last evaluated: 2024-09-19. Review status: criteria provided, single submitter. Criteria: ACMG Guidelines, 2015. Collection method: clinical testing. Allele origin: germline.

CeGaT Center for Human Genetics Tuebingen
Classification: Likely benign. Last evaluated: 2023-12-01. Review status: criteria provided, single submitter. Criteria: CeGaT Center For Human Genetics Tuebingen Variant Classification Criteria Version 2. Collection method: clinical testing. Allele origin: germline. Affected: yes. Observed: 1 variant allele.
Comment: DOCK8: BP4, BP7

GeneDx
Classification: Benign. Last evaluated: 2015-03-03. Review status: criteria provided, single submitter. Criteria: GeneDx Variant Classification Process June 2021. Collection method: clinical testing. Allele origin: germline. Affected: yes.

Genetic Services Laboratory, University of Chicago
Classification: Likely benign. Last evaluated: 2022-11-28. Review status: no assertion criteria provided. Collection method: clinical testing. Allele origin: germline. Affected: no. Not counted in ClinVar's aggregate classification.